The following is an entry in ClinVar:

NM_022436.3(ABCG5):c.1186A>G (p.Met396Val)

Genes: DYNC2LI1 (dynein cytoplasmic 2 light intermediate chain 1; plus strand), ABCG5 (ATP binding cassette subfamily G member 5; minus strand). Cytogenetic location: 2p21.
Variant type: single nucleotide variant.
Coding change: c.1186A>G on transcript NM_022436.3 (MANE Select); coding-DNA position 1186, A replaced by G.
Protein change: p.Met396Val; replaces methionine 396 with valine.
Molecular consequence: missense variant. On other transcripts: intron variant (2).
Genome position (GRCh38, 1-based): chr2:43,824,051, T>C on the plus strand (A>G on the coding strand, the complement: ABCG5 is on the minus strand). VCF-style: chr2-43824051-T-C. GRCh37 (hg19) VCF-style: chr2-44051190-T-C.
Other names: c.*16-3335T>C (NM_001348913.2, NM_001348912.2); short protein forms M396V.
Identifiers: ClinVar variation 5027122 (VCV005027122.1).

ClinVar aggregate classification (germline): Uncertain significance (1 of 4 stars; one submission).

Conditions:
Cardiovascular phenotype. Identifiers: MedGen CN230736.

gnomAD v4.1: 1 of 1,614,220 alleles (0.000062%); highest among the groups gnomAD compares: Non-Finnish European, 0.000085%; no homozygotes.

Submission:

Ambry Genetics
Classification: Uncertain significance for Cardiovascular phenotype. Last evaluated: 2026-09-07. Review status: criteria provided, single submitter. Criteria: Ambry Variant Classification Scheme 2023. Collection method: clinical testing. Allele origin: germline.
Comment: The p.M396V variant (also known as c.1186A>G), located in coding exon 9 of the ABCG5 gene, results from an A to G substitution at nucleotide position 1186. The methionine at codon 396 is replaced by valine, an amino acid with highly similar properties. This amino acid position is conserved. In addition, this alteration is predicted to be tolerated by in silico analysis. Based on the available evidence, the clinical significance of this variant remains unclear.